The following is an entry in ClinVar:

NM_001378454.1(ALMS1):c.6766G>C (p.Ala2256Pro)

Gene: ALMS1 (ALMS1 centrosome and basal body associated protein; plus strand). Cytogenetic location: 2p13.1.
Variant type: single nucleotide variant.
Coding change: c.6766G>C on transcript NM_001378454.1 (MANE Select); coding-DNA position 6766, G replaced by C.
Protein change: p.Ala2256Pro; replaces alanine 2256 with proline.
Molecular consequence: missense variant.
Genome position (GRCh38, 1-based): chr2:73,453,293, G>C. VCF-style: chr2-73453293-G-C. GRCh37 (hg19) VCF-style: chr2-73680420-G-C.
Other names: c.6769G>C, p.Ala2257Pro (NM_015120.4); short protein forms A2257P, A2256P.
Identifiers: ClinVar variation 2085182 (VCV002085182.3), dbSNP rs904787531, ClinGen allele CA50398041.

ClinVar aggregate classification (germline): Conflicting classifications of pathogenicity. Review status: criteria provided, conflicting classifications (1 of 4 stars). 2 submissions from 2 submitters: Uncertain significance (1); Likely benign (1). Last evaluated 2025-06-12.

Conditions:
Cardiovascular phenotype. Identifiers: MedGen CN230736.
Alstrom syndrome (ALMS). Identifiers: Orphanet 64, MedGen C0268425, MONDO:0008763, OMIM 203800.

Allele frequency attached by ClinVar (database versions not stated): gnomAD exomes below 0.00001.
gnomAD v4.1: 2 of 1,613,942 alleles (0.00012%); highest among the groups gnomAD compares: Non-Finnish European, 0.00017%; no homozygotes.

Submissions (2):

Labcorp Genetics (formerly Invitae), Labcorp
Classification: Uncertain significance for Alstrom syndrome. Last evaluated: 2025-06-12. Review status: criteria provided, single submitter. Criteria: Invitae Variant Classification Sherloc (09022015). Collection method: clinical testing. Allele origin: germline.
Comment: This sequence change replaces alanine, which is neutral and non-polar, with proline, which is neutral and non-polar, at codon 2257 of the ALMS1 protein (p.Ala2257Pro). This variant is not present in population databases (gnomAD no frequency). This variant has not been reported in the literature in individuals affected with ALMS1-related conditions. ClinVar contains an entry for this variant (Variation ID: 2085182). Experimental studies and prediction algorithms are not available or were not evaluated, and the functional significance of this variant is currently unknown. In summary, the available evidence is currently insufficient to determine the role of this variant in disease. Therefore, it has been classified as a Variant of Uncertain Significance.

Ambry Genetics
Classification: Likely benign for Cardiovascular phenotype. Last evaluated: 2025-01-02. Review status: criteria provided, single submitter. Criteria: Ambry Variant Classification Scheme 2023. Collection method: clinical testing. Allele origin: germline.